The following is an entry in ClinVar:

NM_006565.4(CTCF):c.1888G>T (p.Val630Leu)

Gene: CTCF (CCCTC-binding factor; plus strand). Cytogenetic location: 16q22.1.
Variant type: single nucleotide variant.
Coding change: c.1888G>T on transcript NM_006565.4 (MANE Select); coding-DNA position 1888, G replaced by T.
Protein change: p.Val630Leu; replaces valine 630 with leucine.
Molecular consequence: missense variant.
Genome position (GRCh38, 1-based): chr16:67,636,740, G>T. VCF-style: chr16-67636740-G-T. GRCh37 (hg19) VCF-style: chr16-67670643-G-T.
Other names: c.904G>T, p.Val302Leu (NM_001191022.2); c.1888G>T, p.Val630Leu (NM_001363916.2, NM_001438968.1, NM_001438969.1); short protein forms V302L, V630L.
Identifiers: ClinVar variation 4847005 (VCV004847005.1).

ClinVar aggregate classification (germline): Uncertain significance (1 of 4 stars; one submission).

Conditions:
CTCF-related neurodevelopmental disorder. Also called: INTELLECTUAL DEVELOPMENTAL DISORDER, AUTOSOMAL DOMINANT 21; Intellectual disability-feeding difficulties-developmental delay-microcephaly syndrome. Identifiers: Orphanet 363611, MedGen C3809686, MONDO:0014213, OMIM 615502.

Submission:

Laboratorio de Genetica e Diagnostico Molecular, Hospital Israelita Albert Einstein
Classification: Uncertain significance for CTCF-related neurodevelopmental disorder. Last evaluated: 2026-01-27. Review status: criteria provided, single submitter. Criteria: ACMG Guidelines, 2015. Collection method: clinical testing. Allele origin: germline. Affected: yes.
Comment: ACMG classification criteria: PM2 supporting, PP2 supporting, BP4 supporting